The following is an entry in ClinVar:

ClinVar aggregate classification (germline): Uncertain significance (1 of 4 stars; one submission).

gnomAD v4.1: 14 of 1,613,230 alleles (0.00087%); highest among the groups gnomAD compares: South Asian, 0.0011%; no homozygotes.

Submission:

GeneDx
Classification: Uncertain significance. Last evaluated: 2023-06-15. Review status: criteria provided, single submitter. Criteria: GeneDx Variant Classification Process June 2021. Collection method: clinical testing. Allele origin: germline. Affected: yes.
Comment: In silico analysis supports that this missense variant does not alter protein structure/function; Has not been previously published as pathogenic or benign to our knowledge

NM_001367561.1(DOCK7):c.997A>G (p.Ile333Val)

Gene: DOCK7 (dedicator of cytokinesis 7; minus strand). Cytogenetic location: 1p31.3.
Variant type: single nucleotide variant.
Coding change: c.997A>G on transcript NM_001367561.1 (MANE Select); coding-DNA position 997, A replaced by G.
Protein change: p.Ile333Val; replaces isoleucine 333 with valine.
Molecular consequence: missense variant.
Genome position (GRCh38, 1-based): chr1:62,634,811, T>C on the plus strand (A>G on the coding strand, the complement: DOCK7 is on the minus strand). VCF-style: chr1-62634811-T-C. GRCh37 (hg19) VCF-style: chr1-63100482-T-C.
Other names: c.997A>G, p.Ile333Val (NM_001271999.2, NM_001272000.2, NM_001272001.2 and 3 more transcripts); short protein forms I333V.
Identifiers: ClinVar variation 3359722 (VCV003359722.1).